The following is an entry in ClinVar:

ClinVar aggregate classification (germline): Likely pathogenic (1 of 4 stars; one submission).

Conditions:
Mucopolysaccharidosis, MPS-II (MPS2). Also called: Hunter Syndrome; IDURONATE 2-SULFATASE DEFICIENCY; Mucopolysaccharidosis Type II; Mucopolysaccharidosis type 2; Attenuated MPS (subtype; formerly known as mild MPS II); Severe MPS II. Identifiers: Orphanet 580, Orphanet 79388, MedGen C0026705, MONDO:0010674, OMIM 309900.

Submission:

Laboratory of Diagnosis and Therapy of Lysosomal Disorders, University of Padova
Classification: Likely pathogenic for Mucopolysaccharidosis, MPS-II. Last evaluated: 2024-06-07. Review status: criteria provided, single submitter. Criteria: ACMG Guidelines, 2015. Collection method: literature only. Allele origin: germline. Affected: yes. Observed: 1 variant allele.
Comment: Null variant (PVS1_Strong), Absent from controls (or at low frequency) in gnomAD database (PM2_Moderate), Patient’s phenotype or family history highly specific for the disease (PP4_Moderate)

Classification method: ACMG Guidelines [PMID:25741868] with modifications

Literature cited by the submitters: PubMed 35916809.

NM_000202.8(IDS):c.1229del (p.Leu410fs)

Gene: IDS (iduronate 2-sulfatase; minus strand). Cytogenetic location: Xq28.
Variant type: Deletion.
Coding change: c.1229del on transcript NM_000202.8 (MANE Select); coding-DNA position 1229, one base deleted (T; older notation c.1229delT).
Protein change: p.Leu410fs; shifts the reading frame from leucine 410.
Molecular consequence: frameshift variant.
Genome position (GRCh38, 1-based): chrX:149,483,170, A deleted on the plus strand (T on the coding strand, the reverse complement: IDS is on the minus strand). VCF-style (leftmost placement, unchanged base first): chrX-149483169-CA-C. GRCh37 (hg19) VCF-style: chrX-148564700-CA-C.
Other names: c.959del, p.Leu320fs (NM_001166550.4); short protein forms L320fs, L410fs.
Identifiers: ClinVar variation 3255999 (VCV003255999.2).